The following is an entry in ClinVar:

NM_004380.3(CREBBP):c.5965G>A (p.Gly1989Arg)

Gene: CREBBP (CREB binding lysine acetyltransferase; minus strand). Cytogenetic location: 16p13.3.
Variant type: single nucleotide variant.
Coding change: c.5965G>A on transcript NM_004380.3 (MANE Select); coding-DNA position 5965, G replaced by A.
Protein change: p.Gly1989Arg; replaces glycine 1989 with arginine.
Molecular consequence: missense variant.
Genome position (GRCh38, 1-based): chr16:3,729,082, C>T on the plus strand (G>A on the coding strand, the complement: CREBBP is on the minus strand). VCF-style: chr16-3729082-C-T. GRCh37 (hg19) VCF-style: chr16-3779083-C-T.
Other names: c.5851G>A, p.Gly1951Arg (NM_001079846.1); short protein forms G1951R, G1989R.
Identifiers: ClinVar variation 3357925 (VCV003357925.1).

ClinVar aggregate classification (germline): Uncertain significance (0 of 4 stars; one submission).

Conditions:
CREBBP-related disorder. Also called: CREBBP-related condition; CREBBP-related disorders.

Submission:

PreventionGenetics, part of Exact Sciences
Classification: Uncertain significance for CREBBP-related condition. Last evaluated: 2024-07-26. Review status: no assertion criteria provided. Collection method: clinical testing. Allele origin: germline.
Comment: The CREBBP c.5965G>A variant is predicted to result in the amino acid substitution p.Gly1989Arg. To our knowledge, this variant has not been reported in the literature or in a large population database, indicating this variant is rare. At this time, the clinical significance of this variant is uncertain due to the absence of conclusive functional and genetic evidence.